The following is an entry in ClinVar:

NM_001267550.2(TTN):c.27013G>C (p.Gly9005Arg)

Gene: TTN (titin; minus strand). Cytogenetic location: 2q31.2.
Variant type: single nucleotide variant.
Coding change: c.27013G>C on transcript NM_001267550.2 (MANE Select); coding-DNA position 27013, G replaced by C.
Protein change: p.Gly9005Arg; replaces glycine 9005 with arginine.
Molecular consequence: missense variant. On other transcripts: intron variant (3).
Genome position (GRCh38, 1-based): chr2:178,713,121, C>G on the plus strand (G>C on the coding strand, the complement: TTN is on the minus strand). VCF-style: chr2-178713121-C-G. GRCh37 (hg19) VCF-style: chr2-179577848-C-G.
Other names: c.13657+24961G>C (NM_133432.3); c.26062G>C, p.Gly8688Arg (NM_001256850.1); c.23281G>C, p.Gly7761Arg (NM_133378.4); c.13282+24961G>C (NM_003319.4); c.13858+24961G>C (NM_133437.4); short protein forms G7761R, G8688R, G9005R.
Identifiers: ClinVar variation 4872157 (VCV004872157.2).
Genomic context (GRCh38, chr2:178,713,121, plus strand): 5'-CATTTTACTGTTTTGTAAACTGACCTCTCACAGTCAAAGGAGCACTACATTCATCAGAAC[C>G]AGCCATATTAGTAGCTATACATGTGTAGTCACCACTGTCTGATTCTTCCAGCATGTTCAC-3'
Protein context (NP_001254479.2, residues 8995-9015): DYTCIATNMA[Gly9005Arg]SDECSAPLTV

ClinVar aggregate classification (germline): Uncertain significance (1 of 4 stars; one submission).

gnomAD v4.1: 2 of 1,613,694 alleles (0.00012%); highest among the groups gnomAD compares: Middle Eastern, 0.017%; no homozygotes.

Submission:

CeGaT Center for Human Genetics Tuebingen
Classification: Uncertain significance. Last evaluated: 2026-06-01. Review status: criteria provided, single submitter. Criteria: CeGaT Center For Human Genetics Tuebingen Variant Classification Criteria Version 2. Collection method: clinical testing. Allele origin: germline. Affected: yes. Observed: 1 variant allele.
Comment: TTN: PM2